The following is an entry in ClinVar:

ClinVar aggregate classification (germline): Uncertain significance (1 of 4 stars; one submission).

Conditions:
Mucolipidosis type IV (ML4). Also called: ML IV. Identifiers: Orphanet 578, MedGen C0238286, MONDO:0009653, OMIM 252650.

Allele frequency attached by ClinVar (database versions not stated): gnomAD exomes 0.00001; TOPMed 0.00001; gnomAD 0.00002; ExAC 0.00004; 1000 Genomes Project 0.00040; 1000 Genomes Project 30x 0.00047.
gnomAD v4.1: 15 of 1,614,200 alleles (0.00093%); highest among the groups gnomAD compares: East Asian, 0.0022%; no homozygotes.

Submission:

Labcorp Genetics (formerly Invitae), Labcorp
Classification: Uncertain significance for Mucolipidosis type IV. Last evaluated: 2022-03-12. Review status: criteria provided, single submitter. Criteria: Invitae Variant Classification Sherloc (09022015). Collection method: clinical testing. Allele origin: germline.
Comment: This sequence change replaces alanine, which is neutral and non-polar, with threonine, which is neutral and polar, at codon 100 of the MCOLN1 protein (p.Ala100Thr). This variant is present in population databases (rs199685178, gnomAD 0.007%). This variant has not been reported in the literature in individuals affected with MCOLN1-related conditions. Algorithms developed to predict the effect of missense changes on protein structure and function (SIFT, PolyPhen-2, Align-GVGD) all suggest that this variant is likely to be tolerated. In summary, the available evidence is currently insufficient to determine the role of this variant in disease. Therefore, it has been classified as a Variant of Uncertain Significance.

NM_020533.3(MCOLN1):c.298G>A (p.Ala100Thr)

Gene: MCOLN1 (mucolipin TRP cation channel 1; plus strand). Cytogenetic location: 19p13.2.
Variant type: single nucleotide variant.
Coding change: c.298G>A on transcript NM_020533.3 (MANE Select); coding-DNA position 298, G replaced by A.
Protein change: p.Ala100Thr; replaces alanine 100 with threonine.
Molecular consequence: missense variant.
Genome position (GRCh38, 1-based): chr19:7,526,499, G>A. VCF-style: chr19-7526499-G-A. GRCh37 (hg19) VCF-style: chr19-7591385-G-A.
Other names: short protein forms A100T.
Identifiers: ClinVar variation 2139112 (VCV002139112.1), dbSNP rs199685178, ClinGen allele CA9138684.